The following is an entry in ClinVar:

ClinVar aggregate classification (germline): Uncertain significance. Review status: criteria provided, multiple submitters, no conflicts (2 of 4 stars). 4 submissions from 4 submitters: Uncertain significance (4). Last evaluated 2025-09-30.

Conditions:
Atypical hemolytic-uremic syndrome. Identifiers: Orphanet 2134, MedGen C2931788, MONDO:0016244.
Age related macular degeneration 9. Identifiers: MedGen C1969651, MONDO:0012659, OMIM 611378.
Atypical hemolytic-uremic syndrome with C3 anomaly. Also called: AHUS, SUSCEPTIBILITY TO, 5. Identifiers: Orphanet 2134, MedGen C2752037, MONDO:0013043, OMIM 612925.
Complement component 3 deficiency. Identifiers: Orphanet 280133, MedGen C3151071, MONDO:0013417, OMIM 613779.

Allele frequency attached by ClinVar (database versions not stated): ExAC 0.00002; gnomAD exomes 0.00002; gnomAD 0.00007; 1000 Genomes Project 0.00020; TOPMed 0.00026; 1000 Genomes Project 30x 0.00031.
gnomAD v4.1: 24 of 1,614,084 alleles (0.0015%); highest among the groups gnomAD compares: Admixed American, 0.028%; no homozygotes.

Submissions (4):

Genomenon, Inc
Classification: Uncertain significance for Atypical hemolytic-uremic syndrome. Last evaluated: 2025-09-30. Review status: criteria provided, single submitter. Criteria: Genomenon Sequence Variant Interpretation Standards. Collection method: curation. Allele origin: germline. Affected: yes.
Comment: C3 p.Arg1042Trp (c.3124C>T) is a missense variant that changes the amino acid at residue 1042 from Arginine to Tryptophan. This variant has been observed in at least one proband affected with atypical hemolytic-uremic syndrome (PMID:20595690). It is absent or not present at a significant frequency in gnomAD. In conclusion, we classify C3 p.Arg1042Trp (c.3124C>T) as a variant of unknown significance.

Labcorp Genetics (formerly Invitae), Labcorp
Classification: Uncertain significance. Last evaluated: 2025-05-11. Review status: criteria provided, single submitter. Criteria: Invitae Variant Classification Sherloc (09022015). Collection method: clinical testing. Allele origin: germline.
Comment: This sequence change replaces arginine, which is basic and polar, with tryptophan, which is neutral and slightly polar, at codon 1042 of the C3 protein (p.Arg1042Trp). This variant is present in population databases (rs550043629, gnomAD 0.009%). This missense change has been observed in individual(s) with atypical hemolytic uremic syndrome (PMID: 20595690). This variant is also known as R1020W. ClinVar contains an entry for this variant (Variation ID: 1163118). Invitae Evidence Modeling of protein sequence and biophysical properties (such as structural, functional, and spatial information, amino acid conservation, physicochemical variation, residue mobility, and thermodynamic stability) indicates that this missense variant is expected to disrupt C3 protein function with a positive predictive value of 80%. In summary, the available evidence is currently insufficient to determine the role of this variant in disease. Therefore, it has been classified as a Variant of Uncertain Significance.

Fulgent Genetics
Classification: Uncertain significance for Age related macular degeneration 9; Atypical hemolytic-uremic syndrome with C3 anomaly; Complement component 3 deficiency. Last evaluated: 2024-03-12. Review status: criteria provided, single submitter. Criteria: ACMG Guidelines, 2015. Collection method: clinical testing. Allele origin: germline.

Mayo Clinic Laboratories, Mayo Clinic
Classification: Uncertain significance. Last evaluated: 2023-03-15. Review status: criteria provided, single submitter. Criteria: ACMG Guidelines, 2015. Collection method: clinical testing. Allele origin: germline. Observed: 3 variant alleles.

Literature cited by the submitters: PubMed 20595690 (cited by 3 submitters); PubMed 25608561 (cited by Mayo Clinic Laboratories, Mayo Clinic).

NM_000064.4(C3):c.3124C>T (p.Arg1042Trp)

Gene: C3 (complement C3; minus strand). Cytogenetic location: 19p13.3.
Variant type: single nucleotide variant.
Coding change: c.3124C>T on transcript NM_000064.4 (MANE Select); coding-DNA position 3124, C replaced by T.
Protein change: p.Arg1042Trp; replaces arginine 1042 with tryptophan.
Molecular consequence: missense variant.
Genome position (GRCh38, 1-based): chr19:6,694,461, G>A on the plus strand (C>T on the coding strand, the complement: C3 is on the minus strand). VCF-style: chr19-6694461-G-A. GRCh37 (hg19) VCF-style: chr19-6694472-G-A.
Other names: short protein forms R1042W.
Identifiers: ClinVar variation 1163118 (VCV001163118.15), dbSNP rs550043629, ClinGen allele CA9128858.